The following is an entry in ClinVar:

ClinVar aggregate classification (germline): Pathogenic (1 of 4 stars; one submission).

Conditions:
Hereditary spastic paraplegia 4. Also called: Familial spastic paraplegia autosomal dominant 2; Spastic paraplegia 4, autosomal dominant; Spastic Paraplegia 4. Identifiers: Orphanet 100985, MedGen C1866855, MONDO:0008438, OMIM 182601.

Submission:

Labcorp Genetics (formerly Invitae), Labcorp
Classification: Pathogenic for Spastic paraplegia 4, autosomal dominant. Last evaluated: 2018-04-06. Review status: criteria provided, single submitter. Criteria: Invitae Variant Classification Sherloc (09022015). Collection method: clinical testing. Allele origin: germline.
Comment: This sequence change affects an acceptor splice site in intron 14 of the SPAST gene. It is expected to disrupt RNA splicing and likely results in an absent or disrupted protein product. This variant is not present in population databases (ExAC no frequency). This variant has been reported in individuals affected with hereditary spastic paraplegia (PMID: 22960362, Invitae). A different variant affecting this nucleotide (c.1617-1G>T) has been determined to be pathogenic (PMID: 12161613). This suggests that this nucleotide is important for normal RNA splicing, and that other variants at this position may also be pathogenic. Donor and acceptor splice site variants typically lead to a loss of protein function (PMID: 16199547), and loss-of-function variants in SPAST are known to be pathogenic (PMID: 20932283). For these reasons, this variant has been classified as Pathogenic.

Literature cited by the submitters: PubMed 12161613; PubMed 22960362; PubMed 20932283.

NM_014946.4(SPAST):c.1617-1G>A

Gene: SPAST (spastin; plus strand). Cytogenetic location: 2p22.3.
Variant type: single nucleotide variant.
Coding change: c.1617-1G>A on transcript NM_014946.4 (MANE Select); the canonical splice acceptor site of the intron before coding-DNA position 1617, G replaced by A.
Molecular consequence: splice acceptor variant. On other transcripts: intron variant (1).
Genome position (GRCh38, 1-based): chr2:32,144,936, G>A. VCF-style: chr2-32144936-G-A. GRCh37 (hg19) VCF-style: chr2-32370005-G-A.
Other names: c.1521-1G>A (NM_199436.2); c.1520+1521G>A (NM_001377959.1); c.1614-1G>A (NM_001363823.2); c.1518-1G>A (NM_001363875.2).
Identifiers: ClinVar variation 574791 (VCV000574791.1), dbSNP rs1553319526, ClinGen allele CA346504147.